The following is an entry in ClinVar:

ClinVar aggregate classification (germline): Uncertain significance. Review status: criteria provided, multiple submitters, no conflicts (2 of 4 stars). 2 submissions from 2 submitters: Uncertain significance (2). Last evaluated 2023-10-04.

Conditions:
Telangiectasia, hereditary hemorrhagic, type 5 (HHT5). Identifiers: Orphanet 774, MedGen C3809710, MONDO:0014217, OMIM 615506.

Submissions (2):

Labcorp Genetics (formerly Invitae), Labcorp
Classification: Uncertain significance for Telangiectasia, hereditary hemorrhagic, type 5. Last evaluated: 2023-10-04. Review status: criteria provided, single submitter. Criteria: Invitae Variant Classification Sherloc (09022015). Collection method: clinical testing. Allele origin: germline.
Comment: This sequence change replaces glycine, which is neutral and non-polar, with serine, which is neutral and polar, at codon 236 of the GDF2 protein (p.Gly236Ser). Information on the frequency of this variant in the gnomAD database is not available, as this variant may be reported differently in the database. This variant has not been reported in the literature in individuals affected with GDF2-related conditions. ClinVar contains an entry for this variant (Variation ID: 504069). Experimental studies and prediction algorithms are not available or were not evaluated, and the functional significance of this variant is currently unknown. In summary, the available evidence is currently insufficient to determine the role of this variant in disease. Therefore, it has been classified as a Variant of Uncertain Significance.

GeneDx
Classification: Uncertain significance. Last evaluated: 2018-01-15. Review status: criteria provided, single submitter. Criteria: GeneDx Variant Classification (06012015). Collection method: clinical testing. Allele origin: germline. Affected: yes.
Comment: A variant of uncertain significance has been identified in the GDF2 gene. The c.705_706delGGinsAA variant has not been published as pathogenic or been reported as benign to our knowledge. This variant is not observed in large population cohorts (Lek et al., 2016). The c.705_706delGGinsAA variant results in deletion of two nucleotides and insertion of two incorrect nucleotides, causing the amino acid substitution G236S. The c.705_706delGGinsAA variant does not result in a shift in reading frame nor is it expected to result in an abnormal, truncated protein product or loss of protein from this allele through nonsense-mediated mRNA decay. The G236S variant is a non-conservative amino acid substitution, which is likely to impact secondary protein structure as these residues differ in polarity, charge, size and/or other properties. Nevertheless, in-silico analyses, including protein predictors and evolutionary conservation, support that this variant does not alter protein structure/function.

NM_016204.4(GDF2):c.705_706delinsAA (p.Gly236Ser)

Gene: GDF2 (growth differentiation factor 2; plus strand). Cytogenetic location: 10q11.22.
Variant type: Indel.
Coding change: c.705_706delinsAA on transcript NM_016204.4 (MANE Select); coding-DNA positions 705 to 706, GG replaced by AA.
Protein change: p.Gly236Ser; replaces glycine 236 with serine.
Molecular consequence: missense variant.
Genome position (GRCh38, 1-based): chr10:47,325,199-47,325,200, GG replaced by AA. VCF-style: chr10-47325199-GG-AA. GRCh37 (hg19) VCF-style: chr10-48414162-CC-TT.
Other names: short protein forms G236S.
Identifiers: ClinVar variation 504069 (VCV000504069.4), dbSNP rs1555208939, ClinGen allele CA658797420.
Genomic context (GRCh38, chr10:47,325,199, plus strand): 5'-CCGGTCCGACTCCACCAAGAGCAAAAATAAGCTGGAAGTGACTGTGGAGAGCCACAGGAA[GG>AA]GCTGCGACACGCTGGACATCAGTGTCCCCCCAGGTTCCAGAAACCTGCCCTTCTTTGTTG-3'
Protein context (NP_057288.1, residues 226-246): LEVTVESHRK[Gly236Ser]CDTLDISVPP